The following is an entry in ClinVar:

ClinVar aggregate classification (germline): Benign. Review status: criteria provided, multiple submitters, no conflicts (2 of 4 stars). 2 submissions from 2 submitters: Benign (2). Last evaluated 2018-01-13.

Conditions:
Autosomal dominant nocturnal frontal lobe epilepsy 4. Also called: EPILEPSY, FAMILIAL, WITH NOCTURNAL WANDERING AND ICTAL FEAR; CHRNA2-Related Nocturnal Frontal Lobe Epilepsy, Autosomal Dominant. Identifiers: Orphanet 98784, MedGen C1835905, MONDO:0012474, OMIM 610353.

Allele frequency attached by ClinVar (database versions not stated): gnomAD exomes 0.28547; 1000 Genomes Project 0.40515; 1000 Genomes Project 30x 0.40990; gnomAD 0.42163 and 0.42655; TOPMed 0.43408.
gnomAD v4.1: 64,305 of 152,556 alleles (42%); highest among the groups gnomAD compares: African/African-American, 57%; 14,380 homozygotes.

Submissions (2):

Illumina Laboratory Services, Illumina
Classification: Benign for Autosomal dominant nocturnal frontal lobe epilepsy 4. Last evaluated: 2018-01-13. Review status: criteria provided, single submitter. Criteria: ICSL Variant Classification Criteria 13 December 2019. Collection method: clinical testing. Allele origin: germline.
Comment: This variant was observed in the ICSL laboratory as part of a predisposition screen in an ostensibly healthy population. It had not been previously curated by ICSL or reported in the Human Gene Mutation Database (HGMD: prior to June 1st, 2018), and was therefore a candidate for classification through an automated scoring system. Utilizing variant allele frequency, disease prevalence and penetrance estimates, and inheritance mode, an automated score was calculated to assess if this variant is too frequent to cause the disease. Based on the score and internal cut-off values, a variant classified as benign is not then subjected to further curation. The score for this variant resulted in a classification of benign for this disease.

Breakthrough Genomics
Classification: Benign. Review status: criteria provided, single submitter. Criteria: ACMG Guidelines, 2015. Collection method: not provided. Allele origin: germline. Inheritance: Autosomal dominant inheritance. Affected: yes.

NM_000742.4(CHRNA2):c.*1701C>A

Gene: CHRNA2 (cholinergic receptor nicotinic alpha 2 subunit; minus strand). Cytogenetic location: 8p21.2.
Variant type: single nucleotide variant.
Coding change: c.*1701C>A on transcript NM_000742.4 (MANE Select); 1701 bases downstream of the stop codon, C replaced by A.
Molecular consequence: 3 prime UTR variant.
Genome position (GRCh38, 1-based): chr8:27,459,928, G>T on the plus strand (C>A on the coding strand, the complement: CHRNA2 is on the minus strand). VCF-style: chr8-27459928-G-T. GRCh37 (hg19) VCF-style: chr8-27317445-G-T.
Other names: c.*1701C>A (NM_001282455.2, NM_001347705.2, NM_001347706.2 and 2 more transcripts).
Identifiers: ClinVar variation 362665 (VCV000362665.6), dbSNP rs1057137, ClinGen allele CA10627561.